The following is an entry in ClinVar:

ClinVar aggregate classification (germline): Uncertain significance (1 of 4 stars; one submission).

Submission:

Labcorp Genetics (formerly Invitae), Labcorp
Classification: Uncertain significance. Last evaluated: 2024-09-12. Review status: criteria provided, single submitter. Criteria: Invitae Variant Classification Sherloc (09022015). Collection method: clinical testing. Allele origin: germline.
Comment: This sequence change falls in intron 2 of the GRIN2D gene. It does not directly change the encoded amino acid sequence of the GRIN2D protein. Information on the frequency of this variant in the gnomAD database is not available, as this variant may be reported differently in the database. This variant has not been reported in the literature in individuals affected with GRIN2D-related conditions. Experimental studies and prediction algorithms are not available or were not evaluated, and the effect of this variant on mRNA splicing is currently unknown. In summary, the available evidence is currently insufficient to determine the role of this variant in disease. Therefore, it has been classified as a Variant of Uncertain Significance.

NM_000836.4(GRIN2D):c.465+7_465+8delinsTT

Genes: GRIN2D (glutamate ionotropic receptor NMDA type subunit 2D; plus strand), LOC130064856 (ATAC-STARR-seq lymphoblastoid silent region 10880; plus strand). Cytogenetic location: 19q13.33.
Variant type: Indel.
Coding change: c.465+7_465+8delinsTT on transcript NM_000836.4 (MANE Select); bases 7 to 8 of the intron after coding-DNA position 465, GC replaced by TT.
Molecular consequence: intron variant.
Genome position (GRCh38, 1-based): chr19:48,398,864-48,398,865, GC replaced by TT. VCF-style: chr19-48398864-GC-TT. GRCh37 (hg19) VCF-style: chr19-48902121-GC-TT.
Identifiers: ClinVar variation 3711436 (VCV003711436.2).